The following is an entry in ClinVar:

ClinVar aggregate classification (germline): Uncertain significance. Review status: criteria provided, multiple submitters, no conflicts (2 of 4 stars). 2 submissions from 2 submitters: Uncertain significance (2). Last evaluated 2024-01-15.

Conditions:
Joubert syndrome. Also called: Familial aplasia of the vermis; CEREBELLOPARENCHYMAL DISORDER IV; JOUBERT-BOLTSHAUSER SYNDROME. Identifiers: Orphanet 475, MedGen C5979921, MONDO:0018772.

Allele frequency attached by ClinVar (database versions not stated): TOPMed below 0.00001; gnomAD exomes 0.00001 and 0.00002; ExAC 0.00002.
gnomAD v4.1: 5 of 1,609,866 alleles (0.00031%); highest among the groups gnomAD compares: Admixed American, 0.0067%; no homozygotes.

Submissions (2):

Labcorp Genetics (formerly Invitae), Labcorp
Classification: Uncertain significance for Joubert syndrome. Last evaluated: 2024-01-15. Review status: criteria provided, single submitter. Criteria: Invitae Variant Classification Sherloc (09022015). Collection method: clinical testing. Allele origin: germline.
Comment: This sequence change replaces lysine, which is basic and polar, with arginine, which is basic and polar, at codon 57 of the AHI1 protein (p.Lys57Arg). This variant is present in population databases (rs762906949, gnomAD 0.02%). This variant has not been reported in the literature in individuals affected with AHI1-related conditions. ClinVar contains an entry for this variant (Variation ID: 937239). Advanced modeling of protein sequence and biophysical properties (such as structural, functional, and spatial information, amino acid conservation, physicochemical variation, residue mobility, and thermodynamic stability) performed at Invitae indicates that this missense variant is not expected to disrupt AHI1 protein function with a negative predictive value of 95%. In summary, the available evidence is currently insufficient to determine the role of this variant in disease. Therefore, it has been classified as a Variant of Uncertain Significance.

GeneDx
Classification: Uncertain significance. Last evaluated: 2020-09-30. Review status: criteria provided, single submitter. Criteria: GeneDx Variant Classification Process June 2021. Collection method: clinical testing. Allele origin: germline. Affected: yes.
Comment: Not observed at a significant frequency in large population cohorts (Lek et al., 2016); In silico analysis, which includes protein predictors and evolutionary conservation, supports that this variant does not alter protein structure/function; Has not been previously published as pathogenic or benign to our knowledge

NM_001134831.2(AHI1):c.170A>G (p.Lys57Arg)

Gene: AHI1 (Abelson helper integration site 1; minus strand). Cytogenetic location: 6q23.3.
Variant type: single nucleotide variant.
Coding change: c.170A>G on transcript NM_001134831.2 (MANE Select); coding-DNA position 170, A replaced by G.
Protein change: p.Lys57Arg; replaces lysine 57 with arginine.
Molecular consequence: missense variant.
Genome position (GRCh38, 1-based): chr6:135,467,600, T>C on the plus strand (A>G on the coding strand, the complement: AHI1 is on the minus strand). VCF-style: chr6-135467600-T-C. GRCh37 (hg19) VCF-style: chr6-135788738-T-C.
Other names: c.170A>G, p.Lys57Arg (NM_001134830.2, NM_001134832.2, NM_001350503.2 and 2 more transcripts); short protein forms K57R.
Identifiers: ClinVar variation 937239 (VCV000937239.10), dbSNP rs762906949, ClinGen allele CA4012903.